The following is an entry in ClinVar:

ClinVar aggregate classification (germline): Likely benign. Review status: criteria provided, multiple submitters, no conflicts (2 of 4 stars). 2 submissions from 2 submitters: Likely benign (2). Last evaluated 2026-09-08.

Conditions:
Fabry disease. Also called: GLA DEFICIENCY; HEREDITARY DYSTOPIC LIPIDOSIS; Fabry's disease; ALPHA-GALACTOSIDASE A DEFICIENCY; ANDERSON-FABRY DISEASE; CERAMIDE TRIHEXOSIDASE DEFICIENCY. Identifiers: Orphanet 324, MedGen C0002986, MONDO:0010526, OMIM 301500, HP:0001071. Disease mechanism: Fabry disease is due to inactivating mutations in the X-linked GLA gene resulting in deficiency of the enzyme Alpha Galactosidase-A., loss of function.

Allele frequency attached by ClinVar (database versions not stated): 1000 Genomes Project 0.00079; 1000 Genomes Project 30x 0.00083; gnomAD 0.00218; TOPMed 0.00243.

Submissions (2):

Genomenon, Inc
Classification: Likely benign for Fabry disease. Last evaluated: 2026-09-08. Review status: criteria provided, single submitter. Criteria: Genomenon Sequence Variant Interpretation Standards - Updated. Collection method: curation. Allele origin: germline. Affected: no.
Comment: GLA c.640-731G>A is an intronic variant located in intron 4. This variant has been reported in the published literature (PMID:11828341;21517827). This variant is not predicted to impact splicing. This variant's allele frequency in gnomAD is greater than expected for this disorder. In conclusion, we classify GLA c.640-731G>A as a likely benign variant.

GeneDx
Classification: Likely benign. Last evaluated: 2016-04-15. Review status: criteria provided, single submitter. Criteria: GeneDx Variant Classification (06012015). Collection method: clinical testing. Allele origin: germline. Affected: yes.
Comment: This variant is considered likely benign or benign based on one or more of the following criteria: it is a conservative change, it occurs at a poorly conserved position in the protein, it is predicted to be benign by multiple in silico algorithms, and/or has population frequency not consistent with disease.

Literature cited by the submitters: PubMed 11828341 (cited by Genomenon, Inc); PubMed 21517827 (cited by Genomenon, Inc).

NM_000169.3(GLA):c.640-731G>A

Genes: GLA (galactosidase alpha; minus strand), RPL36A-HNRNPH2 (RPL36A-HNRNPH2 readthrough; plus strand). Cytogenetic location: Xq22.1.
Variant type: single nucleotide variant.
Coding change: c.640-731G>A on transcript NM_000169.3 (MANE Select); 731 bases into the intron before coding-DNA position 640, G replaced by A.
Molecular consequence: intron variant.
Genome position (GRCh38, 1-based): chrX:101,399,677, C>T on the plus strand (G>A on the coding strand, the complement: GLA is on the minus strand). VCF-style: chrX-101399677-C-T. GRCh37 (hg19) VCF-style: chrX-100654665-C-T.
Other names: c.300+4220C>T (NM_001199973.2); c.177+7855C>T (NM_001199974.2); c.763-731G>A (NM_001406747.1); c.640-731G>A (NM_001406748.1).
Identifiers: ClinVar variation 385655 (VCV000385655.2), dbSNP rs2473815, ClinGen allele CA16608658.
Genomic context (GRCh38, chrX:101,399,677, plus strand): 5'-AAAGACTATTTTGCAGAGATAATGAGGGAATAATAGGGATTCATTCCATAAATAACTATT[C>T]AACACTTAACCATATGCGAGAGATACAGTCAAAGTCAGACAAGGTCCCTGCCCTCATGAA-3'